The following is an entry in ClinVar:

NM_006648.4(WNK2):c.1675G>C (p.Gly559Arg)

Gene: WNK2 (WNK lysine deficient protein kinase 2; plus strand). Cytogenetic location: 9q22.31.
Variant type: single nucleotide variant.
Coding change: c.1675G>C on transcript NM_006648.4 (MANE Select); coding-DNA position 1675, G replaced by C.
Protein change: p.Gly559Arg; replaces glycine 559 with arginine.
Molecular consequence: missense variant.
Genome position (GRCh38, 1-based): chr9:93,247,675, G>C. VCF-style: chr9-93247675-G-C. GRCh37 (hg19) VCF-style: chr9-96009957-G-C.
Other names: c.1675G>C, p.Gly559Arg (NM_001282394.3); short protein forms G559R.
Identifiers: ClinVar variation 4605386 (VCV004605386.1).

ClinVar aggregate classification (germline): Uncertain significance (1 of 4 stars; one submission).

Submission:

Ambry Genetics
Classification: Uncertain significance. Last evaluated: 2025-11-24. Review status: criteria provided, single submitter. Criteria: Ambry Variant Classification Scheme 2023. Collection method: clinical testing. Allele origin: germline.
Comment: The p.G559R variant (also known as c.1675G>C), located in coding exon 7 of the WNK2 gene, results from a G to C substitution at nucleotide position 1675. The glycine at codon 559 is replaced by arginine, an amino acid with dissimilar properties. This amino acid position is conserved. In addition, this alteration is predicted to be tolerated by in silico analysis. Based on the available evidence, the clinical significance of this variant remains unclear.